The following is an entry in ClinVar:

NM_000038.6(APC):c.4947A>G (p.Ile1649Met)

Gene: APC (APC regulator of Wnt signaling pathway; plus strand). Cytogenetic location: 5q22.2.
Variant type: single nucleotide variant.
Coding change: c.4947A>G on transcript NM_000038.6 (MANE Select); coding-DNA position 4947, A replaced by G.
Protein change: p.Ile1649Met; replaces isoleucine 1649 with methionine.
Molecular consequence: missense variant. On other transcripts: non-coding transcript variant (2).
Genome position (GRCh38, 1-based): chr5:112,840,541, A>G. VCF-style: chr5-112840541-A-G. GRCh37 (hg19) VCF-style: chr5-112176238-A-G.
Other names: c.4947A>G, p.Ile1649Met (NM_001127510.3, NM_001354895.2, NM_001407450.1); c.4893A>G, p.Ile1631Met (NM_001127511.3); c.5001A>G, p.Ile1667Met (NM_001354896.2, NM_001407447.1, NM_001407448.1 and 1 more transcripts); c.4977A>G, p.Ile1659Met (NM_001354897.2); c.4872A>G, p.Ile1624Met (NM_001354898.2); c.4863A>G, p.Ile1621Met (NM_001354899.2); c.4824A>G, p.Ile1608Met (NM_001354900.2); c.4770A>G, p.Ile1590Met (NM_001354901.2, NM_001407453.1); and 11 more; short protein forms I1366M, I1523M, I1520M, I1590M, I1608M, I1624M, I1642M, I1659M.
Identifiers: ClinVar variation 2793273 (VCV002793273.3), dbSNP rs1580654389, ClinGen allele CA16032163.

ClinVar aggregate classification (germline): Uncertain significance (1 of 4 stars; one submission).

Conditions:
Familial adenomatous polyposis 1 (FAP1). Also called: FAMILIAL ADENOMATOUS POLYPOSIS 1, ATTENUATED; POLYPOSIS, ADENOMATOUS INTESTINAL. Identifiers: MedGen C2713442, MONDO:0021056, OMIM 175100. Disease mechanism: loss of function.

Submission:

Labcorp Genetics (formerly Invitae), Labcorp
Classification: Uncertain significance for Familial adenomatous polyposis 1. Last evaluated: 2023-11-06. Review status: criteria provided, single submitter. Criteria: Invitae Variant Classification Sherloc (09022015). Collection method: clinical testing. Allele origin: germline.
Comment: This sequence change replaces isoleucine, which is neutral and non-polar, with methionine, which is neutral and non-polar, at codon 1649 of the APC protein (p.Ile1649Met). This variant is not present in population databases (gnomAD no frequency). This variant has not been reported in the literature in individuals affected with APC-related conditions. Advanced modeling of protein sequence and biophysical properties (such as structural, functional, and spatial information, amino acid conservation, physicochemical variation, residue mobility, and thermodynamic stability) performed at Invitae indicates that this missense variant is not expected to disrupt APC protein function with a negative predictive value of 95%. In summary, the available evidence is currently insufficient to determine the role of this variant in disease. Therefore, it has been classified as a Variant of Uncertain Significance.